The following is an entry in ClinVar:

ClinVar aggregate classification (germline): Uncertain significance (1 of 4 stars; one submission).

Conditions:
Meckel-Gruber syndrome. Also called: DYSENCEPHALIA SPLANCHNOCYSTICA; GRUBER SYNDROME; Dysencephalia splachnocystica. Identifiers: Orphanet 564, MedGen C0265215, MONDO:0018921.
Joubert syndrome. Also called: CEREBELLOPARENCHYMAL DISORDER IV; JOUBERT-BOLTSHAUSER SYNDROME; Familial aplasia of the vermis. Identifiers: Orphanet 475, MedGen C5979921, MONDO:0018772.

Submission:

Labcorp Genetics (formerly Invitae), Labcorp
Classification: Uncertain significance for Joubert syndrome; Meckel-Gruber syndrome. Last evaluated: 2022-08-12. Review status: criteria provided, single submitter. Criteria: Invitae Variant Classification Sherloc (09022015). Collection method: clinical testing. Allele origin: germline.
Comment: This variant is not present in population databases (gnomAD no frequency). This variant has not been reported in the literature in individuals affected with TCTN2-related conditions. Algorithms developed to predict the effect of missense changes on protein structure and function are either unavailable or do not agree on the potential impact of this missense change (SIFT: "Tolerated"; PolyPhen-2: "Possibly Damaging"; Align-GVGD: "Class C0"). In summary, the available evidence is currently insufficient to determine the role of this variant in disease. Therefore, it has been classified as a Variant of Uncertain Significance. This sequence change replaces alanine, which is neutral and non-polar, with threonine, which is neutral and polar, at codon 177 of the TCTN2 protein (p.Ala177Thr).

NM_024809.5(TCTN2):c.529G>A (p.Ala177Thr)

Gene: TCTN2 (tectonic family member 2; plus strand). Cytogenetic location: 12q24.31.
Variant type: single nucleotide variant.
Coding change: c.529G>A on transcript NM_024809.5 (MANE Select); coding-DNA position 529, G replaced by A.
Protein change: p.Ala177Thr; replaces alanine 177 with threonine.
Molecular consequence: missense variant.
Genome position (GRCh38, 1-based): chr12:123,679,254, G>A. VCF-style: chr12-123679254-G-A. GRCh37 (hg19) VCF-style: chr12-124163801-G-A.
Other names: c.526G>A, p.Ala176Thr (NM_001143850.3); c.529G>A, p.Ala177Thr (NM_001410989.1); short protein forms A176T, A177T.
Identifiers: ClinVar variation 1716281 (VCV001716281.6), dbSNP rs2541760555, ClinGen allele CA387159395.